The following is an entry in ClinVar:

NM_014391.3(ANKRD1):c.122A>G (p.Lys41Arg)

Gene: ANKRD1 (ankyrin repeat domain 1; minus strand). Cytogenetic location: 10q23.31.
Variant type: single nucleotide variant.
Coding change: c.122A>G on transcript NM_014391.3 (MANE Select); coding-DNA position 122, A replaced by G.
Protein change: p.Lys41Arg; replaces lysine 41 with arginine.
Molecular consequence: missense variant.
Genome position (GRCh38, 1-based): chr10:90,920,254, T>C on the plus strand (A>G on the coding strand, the complement: ANKRD1 is on the minus strand). VCF-style: chr10-90920254-T-C. GRCh37 (hg19) VCF-style: chr10-92680011-T-C.
Other names: short protein forms K41R.
Identifiers: ClinVar variation 1380943 (VCV001380943.8), dbSNP rs1181229749, ClinGen allele CA377553830.

ClinVar aggregate classification (germline): Uncertain significance (1 of 4 stars; one submission).

Conditions:
ANKRD1-related dilated cardiomyopathy. Identifiers: MedGen CN119551.

Submission:

Labcorp Genetics (formerly Invitae), Labcorp
Classification: Uncertain significance for ANKRD1-related dilated cardiomyopathy. Last evaluated: 2025-09-14. Review status: criteria provided, single submitter. Criteria: Invitae Variant Classification Sherloc (09022015). Collection method: clinical testing. Allele origin: germline.
Comment: This sequence change replaces lysine, which is basic and polar, with arginine, which is basic and polar, at codon 41 of the ANKRD1 protein (p.Lys41Arg). This variant is present in population databases (no rsID available, gnomAD 0.01%). This variant has not been reported in the literature in individuals affected with ANKRD1-related conditions. ClinVar contains an entry for this variant (Variation ID: 1380943). Invitae Evidence Modeling of protein sequence and biophysical properties (such as structural, functional, and spatial information, amino acid conservation, physicochemical variation, residue mobility, and thermodynamic stability) indicates that this missense variant is not expected to disrupt ANKRD1 protein function with a negative predictive value of 80%. In summary, the available evidence is currently insufficient to determine the role of this variant in disease. Therefore, it has been classified as a Variant of Uncertain Significance.